The following is an entry in ClinVar:

ClinVar aggregate classification (germline): Uncertain significance (1 of 4 stars; one submission).

Conditions:
Hereditary cancer-predisposing syndrome. Also called: Neoplastic Syndromes, Hereditary; Hereditary neoplastic syndrome; Tumor predisposition; Hereditary Cancer Syndrome. Identifiers: Orphanet 140162, MedGen C0027672, MeSH D009386, MONDO:0015356.

gnomAD v4.1: 1 of 1,501,554 alleles (0.000067%); highest among the groups gnomAD compares: Non-Finnish European, 0.000089%; no homozygotes.

Submission:

Ambry Genetics
Classification: Uncertain significance for Hereditary cancer-predisposing syndrome. Last evaluated: 2023-01-02. Review status: criteria provided, single submitter. Criteria: Ambry Variant Classification Scheme 2023. Collection method: clinical testing. Allele origin: germline.
Comment: The p.K68M variant (also known as c.203A>T), located in coding exon 1 of the MSH6 gene, results from an A to T substitution at nucleotide position 203. The lysine at codon 68 is replaced by methionine, an amino acid with similar properties. This amino acid position is conserved. In addition, this alteration is predicted to be tolerated by in silico analysis. Since supporting evidence is limited at this time, the clinical significance of this alteration remains unclear.

NM_000179.3(MSH6):c.203A>T (p.Lys68Met)

Gene: MSH6 (mutS homolog 6; plus strand). Cytogenetic location: 2p16.3.
Variant type: single nucleotide variant.
Coding change: c.203A>T on transcript NM_000179.3 (MANE Select); coding-DNA position 203, A replaced by T.
Protein change: p.Lys68Met; replaces lysine 68 with methionine.
Molecular consequence: missense variant. On other transcripts: 5 prime UTR variant (7), non-coding transcript variant (5), intron variant (5).
Genome position (GRCh38, 1-based): chr2:47,783,436, A>T. VCF-style: chr2-47783436-A-T. GRCh37 (hg19) VCF-style: chr2-48010575-A-T.
Other names: c.203A>T, p.Lys68Met (NM_001281492.2, NM_001406795.1, NM_001406796.1 and 9 more transcripts); c.-534A>T (NM_001281493.2, NM_001406811.1); c.-126A>T (NM_001406799.1); c.148A>T, p.Arg50Trp (NM_001406804.1); c.-726A>T (NM_001406807.1); c.-381A>T (NM_001406812.1); c.-792A>T (NM_001406814.1); c.-337A>T (NM_001406816.1); and 3 more; short protein forms K68M, R50W.
Identifiers: ClinVar variation 2490602 (VCV002490602.2), dbSNP rs863224620, ClinGen allele CA346735045.
Genomic context (GRCh38, chr2:47,783,436, plus strand): 5'-CGGCCTGGAGCGAGGCTGGGCCTGGGCCCAGGCCCTTGGCGCGCTCCGCGTCACCGCCCA[A>T]GGCGAAGAACCTCAACGGAGGGCTGCGGAGATCGGTAGCGCCTGCTGCCCCCACCAGGTA-3'
Protein context (NP_000170.1, residues 58-78): RPLARSASPP[Lys68Met]AKNLNGGLRR